The following is an entry in ClinVar:

NM_177438.3(DICER1):c.4708T>C (p.Tyr1570His)

Gene: DICER1 (dicer 1, ribonuclease III; minus strand). Cytogenetic location: 14q32.13.
Variant type: single nucleotide variant.
Coding change: c.4708T>C on transcript NM_177438.3 (MANE Select); coding-DNA position 4708, T replaced by C.
Protein change: p.Tyr1570His; replaces tyrosine 1570 with histidine.
Molecular consequence: missense variant.
Genome position (GRCh38, 1-based): chr14:95,096,212, A>G on the plus strand (T>C on the coding strand, the complement: DICER1 is on the minus strand). VCF-style: chr14-95096212-A-G. GRCh37 (hg19) VCF-style: chr14-95562549-A-G.
Other names: c.4708T>C, p.Tyr1570His (NM_001195573.1, NM_001271282.3, NM_001291628.2 and 1 more transcripts); short protein forms Y1570H.
Identifiers: ClinVar variation 952412 (VCV000952412.14), dbSNP rs1890317085, ClinGen allele CA390867477.

ClinVar aggregate classification (germline): Uncertain significance. Review status: criteria provided, multiple submitters, no conflicts (2 of 4 stars). 2 submissions from 2 submitters: Uncertain significance (2). Last evaluated 2025-06-26.

Conditions:
Hereditary cancer-predisposing syndrome. Also called: Hereditary neoplastic syndrome; Tumor predisposition; Neoplastic Syndromes, Hereditary; Hereditary Cancer Syndrome. Identifiers: Orphanet 140162, MedGen C0027672, MeSH D009386, MONDO:0015356.
DICER1-related tumor predisposition. Also called: DICER1 syndrome; DICER1-related pleuropulmonary blastoma cancer predisposition syndrome. Identifiers: Orphanet 284343, MedGen C3839822, MONDO:0100216.

Submissions (2):

Ambry Genetics
Classification: Uncertain significance for Hereditary cancer-predisposing syndrome. Last evaluated: 2025-06-26. Review status: criteria provided, single submitter. Criteria: Ambry Variant Classification Scheme 2023. Collection method: clinical testing. Allele origin: germline.
Comment: The p.Y1570H variant (also known as c.4708T>C), located in coding exon 22 of the DICER1 gene, results from a T to C substitution at nucleotide position 4708. The tyrosine at codon 1570 is replaced by histidine, an amino acid with similar properties. This amino acid position is highly conserved in available vertebrate species. In addition, this alteration is predicted to be deleterious by in silico analysis. Based on the available evidence, the clinical significance of this variant remains unclear.

Labcorp Genetics (formerly Invitae), Labcorp
Classification: Uncertain significance for DICER1-related tumor predisposition. Last evaluated: 2024-04-10. Review status: criteria provided, single submitter. Criteria: Invitae Variant Classification Sherloc (09022015). Collection method: clinical testing. Allele origin: germline.
Comment: This sequence change replaces tyrosine, which is neutral and polar, with histidine, which is basic and polar, at codon 1570 of the DICER1 protein (p.Tyr1570His). This variant is not present in population databases (gnomAD no frequency). This variant has not been reported in the literature in individuals affected with DICER1-related conditions. ClinVar contains an entry for this variant (Variation ID: 952412). Advanced modeling of protein sequence and biophysical properties (such as structural, functional, and spatial information, amino acid conservation, physicochemical variation, residue mobility, and thermodynamic stability) performed at Invitae indicates that this missense variant is not expected to disrupt DICER1 protein function with a negative predictive value of 80%. In summary, the available evidence is currently insufficient to determine the role of this variant in disease. Therefore, it has been classified as a Variant of Uncertain Significance.